The following is an entry in ClinVar:

NM_152393.4(KLHL40):c.806G>A (p.Arg269Gln)

Gene: KLHL40 (kelch like family member 40; plus strand). Cytogenetic location: 3p22.1.
Variant type: single nucleotide variant.
Coding change: c.806G>A on transcript NM_152393.4 (MANE Select); coding-DNA position 806, G replaced by A.
Protein change: p.Arg269Gln; replaces arginine 269 with glutamine.
Molecular consequence: missense variant.
Genome position (GRCh38, 1-based): chr3:42,686,424, G>A. VCF-style: chr3-42686424-G-A. GRCh37 (hg19) VCF-style: chr3-42727916-G-A.
Other names: c.806G>A (NM_152393.2); short protein forms R269Q.
Identifiers: ClinVar variation 1401822 (VCV001401822.9), dbSNP rs770828570, ClinGen allele CA2336740.

ClinVar aggregate classification (germline): Uncertain significance. Review status: criteria provided, multiple submitters, no conflicts (2 of 4 stars). 2 submissions from 2 submitters: Uncertain significance (2). Last evaluated 2025-12-22.

Conditions:
Inborn genetic diseases. Identifiers: MedGen C0950123, MeSH D030342.
Nemaline myopathy 8 (NEM8). Also called: Nemaline myopathy 8, autosomal recessive. Identifiers: Orphanet 171430, MedGen C3809209, MONDO:0014138, OMIM 615348.

Allele frequency attached by ClinVar (database versions not stated): gnomAD exomes below 0.00001 and 0.00001; ExAC 0.00001; gnomAD 0.00002; TOPMed 0.00002.

Submissions (2):

Ambry Genetics
Classification: Uncertain significance for Inborn genetic diseases. Last evaluated: 2025-12-22. Review status: criteria provided, single submitter. Criteria: Ambry Variant Classification Scheme 2023. Collection method: clinical testing. Allele origin: germline.

Labcorp Genetics (formerly Invitae), Labcorp
Classification: Uncertain significance for Nemaline myopathy 8. Last evaluated: 2022-07-25. Review status: criteria provided, single submitter. Criteria: Invitae Variant Classification Sherloc (09022015). Collection method: clinical testing. Allele origin: germline.
Comment: This variant is present in population databases (rs770828570, gnomAD 0.004%). This sequence change replaces arginine, which is basic and polar, with glutamine, which is neutral and polar, at codon 269 of the KLHL40 protein (p.Arg269Gln). In summary, the available evidence is currently insufficient to determine the role of this variant in disease. Therefore, it has been classified as a Variant of Uncertain Significance. Algorithms developed to predict the effect of sequence changes on RNA splicing suggest that this variant may create or strengthen a splice site. Algorithms developed to predict the effect of missense changes on protein structure and function (SIFT, PolyPhen-2, Align-GVGD) all suggest that this variant is likely to be tolerated. ClinVar contains an entry for this variant (Variation ID: 1401822). This variant has not been reported in the literature in individuals affected with KLHL40-related conditions.